The following is an entry in ClinVar:

ClinVar aggregate classification (germline): Uncertain significance (1 of 4 stars; one submission).

gnomAD v4.1: 2 of 1,613,784 alleles (0.00012%); highest among the groups gnomAD compares: Non-Finnish European, 0.000085%; no homozygotes.

Submission:

Labcorp Genetics (formerly Invitae), Labcorp
Classification: Uncertain significance. Last evaluated: 2021-06-06. Review status: criteria provided, single submitter. Criteria: Invitae Variant Classification Sherloc (09022015). Collection method: clinical testing. Allele origin: germline.
Comment: In summary, the available evidence is currently insufficient to determine the role of this variant in disease. Therefore, it has been classified as a Variant of Uncertain Significance. Algorithms developed to predict the effect of missense changes on protein structure and function are either unavailable or do not agree on the potential impact of this missense change (SIFT: "Deleterious"; PolyPhen-2: "Not Available"; Align-GVGD: "Class C0"). This variant has not been reported in the literature in individuals with PCLO-related conditions. This variant is not present in population databases (ExAC no frequency). This sequence change replaces threonine with methionine at codon 3285 of the PCLO protein (p.Thr3285Met). The threonine residue is highly conserved and there is a moderate physicochemical difference between threonine and methionine.

NM_033026.6(PCLO):c.9854C>T (p.Thr3285Met)

Gene: PCLO (piccolo presynaptic cytomatrix protein; minus strand). Cytogenetic location: 7q21.11.
Variant type: single nucleotide variant.
Coding change: c.9854C>T on transcript NM_033026.6 (MANE Select); coding-DNA position 9854, C replaced by T.
Protein change: p.Thr3285Met; replaces threonine 3285 with methionine.
Molecular consequence: missense variant.
Genome position (GRCh38, 1-based): chr7:82,950,734, G>A on the plus strand (C>T on the coding strand, the complement: PCLO is on the minus strand). VCF-style: chr7-82950734-G-A. GRCh37 (hg19) VCF-style: chr7-82580050-G-A.
Other names: c.9854C>T, p.Thr3285Met (NM_014510.3); short protein forms T3285M.
Identifiers: ClinVar variation 1472260 (VCV001472260.7), dbSNP rs2116422974, ClinGen allele CA367906315.
Genomic context (GRCh38, chr7:82,950,734, plus strand): 5'-TGGTGAAGCTGTTGTTGCAGCTGTTGGATCTGCTCAAGCTGTAACTGTTGCTGAGCTAAC[G>A]TCTCCTGCCTCATCATGAACTGGGCTTGCCGCTCTTCTTCTTGCTGAAAGAGAAGGTGTT-3'
Protein context (NP_149015.2, residues 3275-3295): RQAQFMMRQE[Thr3285Met]LAQQQLQLEQ